The following is an entry in ClinVar:

ClinVar aggregate classification (germline): Uncertain significance. Review status: criteria provided, multiple submitters, no conflicts (2 of 4 stars). 3 submissions from 3 submitters: Uncertain significance (3). Last evaluated 2025-10-29.

Conditions:
Cardiovascular phenotype. Identifiers: MedGen CN230736.

Allele frequency attached by ClinVar (database versions not stated): gnomAD exomes 0.00003; ExAC 0.00003; TOPMed 0.00005; gnomAD 0.00007; ESP Exome Variant Server 0.00015.
gnomAD v4.1: 52 of 1,610,632 alleles (0.0032%); highest among the groups gnomAD compares: African/African-American, 0.011%; no homozygotes.

Submissions (3):

Women's Health and Genetics/Laboratory Corporation of America, LabCorp
Classification: Uncertain significance. Last evaluated: 2025-10-29. Review status: criteria provided, single submitter. Criteria: LabCorp Variant Classification Summary - May 2015. Collection method: clinical testing. Allele origin: germline.

GeneDx
Classification: Uncertain significance. Last evaluated: 2025-10-26. Review status: criteria provided, single submitter. Criteria: GeneDx Variant Classification Process June 2021. Collection method: clinical testing. Allele origin: germline.
Comment: Not observed at significant frequency in large population cohorts (gnomAD); In silico analysis suggests that this missense variant does not alter protein structure/function; Has not been previously published as pathogenic or benign to our knowledge

Ambry Genetics
Classification: Uncertain significance for Cardiovascular phenotype. Last evaluated: 2025-02-19. Review status: criteria provided, single submitter. Criteria: Ambry Variant Classification Scheme 2023. Collection method: clinical testing. Allele origin: germline.

NM_001010874.5(TECRL):c.216G>T (p.Gln72His)

Gene: TECRL (trans-2,3-enoyl-CoA reductase like; minus strand). Cytogenetic location: 4q13.1.
Variant type: single nucleotide variant.
Coding change: c.216G>T on transcript NM_001010874.5 (MANE Select); coding-DNA position 216, G replaced by T.
Protein change: p.Gln72His; replaces glutamine 72 with histidine.
Molecular consequence: missense variant.
Genome position (GRCh38, 1-based): chr4:64,409,136, C>A on the plus strand (G>T on the coding strand, the complement: TECRL is on the minus strand). VCF-style: chr4-64409136-C-A. GRCh37 (hg19) VCF-style: chr4-65274854-C-A.
Other names: c.216G>T, p.Gln72His (NM_001363796.1); short protein forms Q72H.
Identifiers: ClinVar variation 1787068 (VCV001787068.8), dbSNP rs375333770, ClinGen allele CA2935670.